The following is an entry in ClinVar:

ClinVar aggregate classification (germline): Likely benign. Review status: criteria provided, multiple submitters, no conflicts (2 of 4 stars). 3 submissions from 3 submitters: Likely benign (2). 1 of the submissions does not count toward it. Last evaluated 2025-10-23.

Conditions:
TINF2-related disorder. Also called: TINF2-related condition.
Dyskeratosis congenita. Identifiers: Orphanet 1775, MedGen C0265965, MONDO:0015780.

Allele frequency attached by ClinVar (database versions not stated): gnomAD 0.00001; gnomAD exomes 0.00002; ExAC 0.00005.

Submissions (3):

Labcorp Genetics (formerly Invitae), Labcorp
Classification: Likely benign for Dyskeratosis congenita. Last evaluated: 2025-10-23. Review status: criteria provided, single submitter. Criteria: Invitae Variant Classification Sherloc (09022015). Collection method: clinical testing. Allele origin: germline.

Blueprint Genetics
Classification: Likely benign. Last evaluated: 2021-12-10. Review status: criteria provided, single submitter. Criteria: ACMG Guidelines, 2015. Collection method: clinical testing. Allele origin: germline.

PreventionGenetics, part of Exact Sciences
Classification: Likely benign for TINF2-related condition. Last evaluated: 2019-05-02. Review status: no assertion criteria provided. Collection method: clinical testing. Allele origin: germline. Not counted in ClinVar's aggregate classification.
Comment: This variant is classified as likely benign based on ACMG/AMP sequence variant interpretation guidelines (Richards et al. 2015 PMID: 25741868, with internal and published modifications).

NM_001099274.3(TINF2):c.1353G>A (p.Leu451=)

Gene: TINF2 (TERF1 interacting nuclear factor 2; minus strand). Cytogenetic location: 14q12.
Variant type: single nucleotide variant.
Coding change: c.1353G>A on transcript NM_001099274.3 (MANE Select); coding-DNA position 1353, G replaced by A.
Protein change: p.Leu451=; no amino-acid change (leucine 451 retained).
Molecular consequence: synonymous variant. On other transcripts: 3 prime UTR variant (1).
Genome position (GRCh38, 1-based): chr14:24,239,800, C>T on the plus strand (G>A on the coding strand, the complement: TINF2 is on the minus strand). VCF-style: chr14-24239800-C-T. GRCh37 (hg19) VCF-style: chr14-24709006-C-T.
Other names: c.1248G>A, p.Leu416= (NM_001363668.2); c.*615G>A (NM_012461.3).
Identifiers: ClinVar variation 3037164 (VCV003037164.4), dbSNP rs772594060, ClinGen allele CA7130405.